The following is an entry in ClinVar:

NM_003907.3(EIF2B5):c.336C>G (p.Cys112Trp)

Gene: EIF2B5 (eukaryotic translation initiation factor 2B subunit epsilon; plus strand). Cytogenetic location: 3q27.1.
Variant type: single nucleotide variant.
Coding change: c.336C>G on transcript NM_003907.3 (MANE Select); coding-DNA position 336, C replaced by G.
Protein change: p.Cys112Trp; replaces cysteine 112 with tryptophan.
Molecular consequence: missense variant.
Genome position (GRCh38, 1-based): chr3:184,137,635, C>G. VCF-style: chr3-184137635-C-G. GRCh37 (hg19) VCF-style: chr3-183855423-C-G.
Other names: short protein forms C112W.
Identifiers: ClinVar variation 2141173 (VCV002141173.1), dbSNP rs139538250, ClinGen allele CA2726375.

ClinVar aggregate classification (germline): Uncertain significance (1 of 4 stars; one submission).

Allele frequency attached by ClinVar (database versions not stated): ExAC 0.00002; gnomAD 0.00005; TOPMed 0.00014; ESP Exome Variant Server 0.00023.

Submission:

Labcorp Genetics (formerly Invitae), Labcorp
Classification: Uncertain significance. Last evaluated: 2022-03-05. Review status: criteria provided, single submitter. Criteria: Invitae Variant Classification Sherloc (09022015). Collection method: clinical testing. Allele origin: germline.
Comment: This sequence change replaces cysteine, which is neutral and slightly polar, with tryptophan, which is neutral and slightly polar, at codon 112 of the EIF2B5 protein (p.Cys112Trp). This variant is present in population databases (rs139538250, gnomAD 0.02%). This variant has not been reported in the literature in individuals affected with EIF2B5-related conditions. Advanced modeling of protein sequence and biophysical properties (such as structural, functional, and spatial information, amino acid conservation, physicochemical variation, residue mobility, and thermodynamic stability) performed at Invitae indicates that this missense variant is expected to disrupt EIF2B5 protein function. In summary, the available evidence is currently insufficient to determine the role of this variant in disease. Therefore, it has been classified as a Variant of Uncertain Significance.